The following is an entry in ClinVar:

NM_002860.4(ALDH18A1):c.1864C>T (p.Arg622Trp)

Gene: ALDH18A1 (aldehyde dehydrogenase 18 family member A1; minus strand). Cytogenetic location: 10q24.1.
Variant type: single nucleotide variant.
Coding change: c.1864C>T on transcript NM_002860.4 (MANE Select); coding-DNA position 1864, C replaced by T.
Protein change: p.Arg622Trp; replaces arginine 622 with tryptophan.
Molecular consequence: missense variant.
Genome position (GRCh38, 1-based): chr10:95,613,801, G>A on the plus strand (C>T on the coding strand, the complement: ALDH18A1 is on the minus strand). VCF-style: chr10-95613801-G-A. GRCh37 (hg19) VCF-style: chr10-97373558-G-A.
Other names: c.1858C>T, p.Arg620Trp (NM_001017423.2, NM_001323415.2); c.1531C>T, p.Arg511Trp (NM_001323412.2, NM_001323416.2); c.1864C>T, p.Arg622Trp (NM_001323413.2, NM_001323414.2); c.1759C>T, p.Arg587Trp (NM_001323417.2); c.1525C>T, p.Arg509Trp (NM_001323418.2); c.1228C>T, p.Arg410Trp (NM_001323419.2); short protein forms R410W, R509W, R511W, R587W, R620W, R622W.
Identifiers: ClinVar variation 3252964 (VCV003252964.2), dbSNP rs759267778.
Genomic context (GRCh38, chr10:95,613,801, plus strand): 5'-CCTGTTCCACTCTCAGCATATCAATGATCTGGTCAAATAATGGTGTCCTGAGCAGATCCC[G>A]GTGGATTAACAAAGTCTCCAAAGCATTACAGGCAGCTGGATATTCACATTTAGAGTCTCT-3'
Protein context (NP_002851.2, residues 612-632): CNALETLLIH[Arg622Trp]DLLRTPLFDQ

ClinVar aggregate classification (germline): Uncertain significance. Review status: criteria provided, multiple submitters, no conflicts (2 of 4 stars). 2 submissions from 2 submitters: Uncertain significance (2). Last evaluated 2025-06-17.

Conditions:
Cutis laxa, autosomal dominant 3 (ADCL3). Identifiers: Orphanet 90348, MedGen C4225268, MONDO:0014706, OMIM 616603.
Autosomal dominant spastic paraplegia type 9. Identifiers: MedGen C1832669, MONDO:0015091.
de Barsy syndrome. Also called: Cutis laxa-corneal clouding-oligophrenia syndrome. Identifiers: Orphanet 2962, MedGen C0268354, MONDO:0017569.

Allele frequency attached by ClinVar (database versions not stated): ExAC 0.00001.
gnomAD v4.1: 3 of 1,614,022 alleles (0.00019%); highest among the groups gnomAD compares: South Asian, 0.0022%; no homozygotes.

Submissions (2):

Labcorp Genetics (formerly Invitae), Labcorp
Classification: Uncertain significance for Autosomal dominant spastic paraplegia type 9; de Barsy syndrome; Cutis laxa, autosomal dominant 3. Last evaluated: 2025-06-17. Review status: criteria provided, single submitter. Criteria: Invitae Variant Classification Sherloc (09022015). Collection method: clinical testing. Allele origin: germline.
Comment: This sequence change replaces arginine, which is basic and polar, with tryptophan, which is neutral and slightly polar, at codon 622 of the ALDH18A1 protein (p.Arg622Trp). This variant is present in population databases (rs759267778, gnomAD 0.003%). This missense change has been observed in individual(s) with autosomal recessive ALDH18A1-related conditions (PMID: 28604674). In at least one individual the data is consistent with being in trans (on the opposite chromosome) from a pathogenic variant. ClinVar contains an entry for this variant (Variation ID: 3252964). Invitae Evidence Modeling of protein sequence and biophysical properties (such as structural, functional, and spatial information, amino acid conservation, physicochemical variation, residue mobility, and thermodynamic stability) has been performed for this missense variant. However, the output from this modeling did not meet the statistical confidence thresholds required to predict the impact of this variant on ALDH18A1 protein function. In summary, the available evidence is currently insufficient to determine the role of this variant in disease. Therefore, it has been classified as a Variant of Uncertain Significance.

GeneDx
Classification: Uncertain significance. Last evaluated: 2023-12-10. Review status: criteria provided, single submitter. Criteria: GeneDx Variant Classification Process June 2021. Collection method: clinical testing. Allele origin: germline. Affected: yes.
Comment: In silico analysis supports that this missense variant has a deleterious effect on protein structure/function; This variant is associated with the following publications: (PMID: 35379322, 28604674)

Literature cited by the submitters: PubMed 28604674 (cited by Labcorp Genetics (formerly Invitae), Labcorp).